The following is an entry in ClinVar:

ClinVar aggregate classification (germline): Likely benign (3 of 4 stars; one submission).

Conditions:
Breast-ovarian cancer, familial, susceptibility to, 2 (BROVCA2). Also called: BRCA2 Hereditary Breast and Ovarian Cancer. Identifiers: Orphanet 145, MedGen C2675520, MONDO:0012933, OMIM 612555. Disease mechanism: loss of function.

Allele frequency attached by ClinVar (database versions not stated): gnomAD exomes below 0.00001; ExAC 0.00001.
gnomAD v4.1: 1 of 1,609,762 alleles (0.000062%); highest among the groups gnomAD compares: South Asian, 0.0011%; no homozygotes.

Submission:

Evidence-based Network for the Interpretation of Germline Mutant Alleles (ENIGMA)
Classification: Likely benign for Breast-ovarian cancer, familial, susceptibility to, 2. Last evaluated: 2017-06-29. Review status: reviewed by expert panel. Criteria: ENIGMA BRCA1/2 Classification Criteria (2017-06-29). Collection method: curation. Allele origin: germline.
Comment: Synonymous substitution variant, with low bioinformatic likelihood to result in a splicing aberration (Splicing prior probability 0.02).

NM_000059.4(BRCA2):c.1260C>T (p.Asp420=)

Gene: BRCA2 (BRCA2 DNA repair associated; plus strand). Cytogenetic location: 13q13.1.
Variant type: single nucleotide variant.
Coding change: c.1260C>T on transcript NM_000059.4 (MANE Select); coding-DNA position 1260, C replaced by T.
Protein change: p.Asp420=; no amino-acid change (aspartic acid 420 retained).
Molecular consequence: synonymous variant.
Genome position (GRCh38, 1-based): chr13:32,332,738, C>T. VCF-style: chr13-32332738-C-T. GRCh37 (hg19) VCF-style: chr13-32906875-C-T.
Identifiers: ClinVar variation 427522 (VCV000427522.3), dbSNP rs779677234, ClinGen allele CA6940500.